The following is an entry in ClinVar:

NM_130837.3(OPA1):c.1868A>G (p.Lys623Arg)

Genes: OPA1 (OPA1 mitochondrial dynamin like GTPase; plus strand), LOC126806913 (BRD4-independent group 4 enhancer GRCh37_chr3:193364377-193365576; plus strand). Cytogenetic location: 3q29.
Variant type: single nucleotide variant.
Coding change: c.1868A>G on transcript NM_130837.3 (MANE Select); coding-DNA position 1868, A replaced by G.
Protein change: p.Lys623Arg; replaces lysine 623 with arginine.
Molecular consequence: missense variant.
Genome position (GRCh38, 1-based): chr3:193,647,178, A>G. VCF-style: chr3-193647178-A-G. GRCh37 (hg19) VCF-style: chr3-193364967-A-G.
Other names: c.1334A>G, p.Lys445Arg (NM_001354663.2); c.1331A>G, p.Lys444Arg (NM_001354664.2); c.1703A>G, p.Lys568Arg (NM_015560.3); c.1595A>G, p.Lys532Arg (NM_130831.3); c.1649A>G, p.Lys550Arg (NM_130832.3); c.1706A>G, p.Lys569Arg (NM_130833.3); c.1757A>G, p.Lys586Arg (NM_130834.3); c.1760A>G, p.Lys587Arg (NM_130835.3); and 1 more; short protein forms K568R, K623R, K445R, K586R, K444R, K550R, K587R, K605R.
Identifiers: ClinVar variation 451142 (VCV000451142.2), dbSNP rs1553879126, ClinGen allele CA355790602.

ClinVar aggregate classification (germline): Uncertain significance (1 of 4 stars; one submission).

Submission:

GeneDx
Classification: Uncertain significance. Last evaluated: 2017-08-14. Review status: criteria provided, single submitter. Criteria: GeneDx Variant Classification (06012015). Collection method: clinical testing. Allele origin: germline. Affected: yes.
Comment: The K568R variant has not been published as a pathogenic variant, nor has it been reported as a benign variant to our knowledge. The K568R variant is not observed in large population cohorts (Lek et al., 2016; 1000 Genomes Consortium et al., 2015; Exome Variant Server). The K568R variant is a conservative amino acid substitution, which is not likely to impact secondary protein structure as these residues share similar properties. This substitution occurs at a position that is conserved across species. In silico analysis is inconsistent in its predictions as to whether or not the variant is damaging to the protein structure/function. In summary, based on the currently available information, it is unclear whether this variant is a pathogenic variant or a rare benign variant.